The following is an entry in ClinVar:

GRCh37/hg19 2q13(chr2:111365996-113111856)x3

Genes: ACOXL (acyl-CoA oxidase like; plus strand), ANAPC1 (anaphase promoting complex subunit 1; minus strand), BCL2L11 (BCL2 like 11; plus strand), BUB1 (BUB1 mitotic checkpoint serine/threonine kinase; minus strand), FBLN7 (fibulin 7; plus strand) and 4 more. Cytogenetic location: 2q13.
Variant type: copy number gain.
Change: copy number 3 (three copies instead of two) of chr2:111,365,996-113,111,856 (1.75 Mb, GRCh37 coordinates, 1-based), cytogenetic band 2q13.
Identifiers: ClinVar variation 1808680 (VCV001808680.1).

ClinVar aggregate classification (germline): Likely pathogenic (1 of 4 stars; one submission).

Submission:

Quest Diagnostics Nichols Institute San Juan Capistrano
Classification: Likely pathogenic. Last evaluated: 2022-05-27. Review status: criteria provided, single submitter. Criteria: ACMG/ClinGen CNV Guidelines, 2019. Collection method: clinical testing. Allele origin: unknown.
Comment: Recurrent duplications of this region of 2q13 have been associated with an increased risk for developmental delay, autism spectrum disorder, attention deficit hyperactivity disorder and dysmorphism. However, inheritance from healthy or mildly affected carriers is common. Currently, the recurrent 2q13 duplication is best interpreted as a susceptibility locus with variable phenotypic expressivity and incomplete penetrance, possibly influenced by additional genetic or non-genetic modifiers. This copy number gain is interpreted as likely pathogenic. References: Costain et al. Am J Med Genet B Neuropsychiatr Genet 2014;165B(4):337-44. PMID: 24807792. Riley et al. Am J Med Genet A 2015;167A(11):2664-73, PMID: 26227573. Wolfe et al. Am J Med Genet B Neuropsychiatr Genet 2018;177(4):397-405. PMID: 29603867.